The following is an entry in ClinVar:

NM_002292.4(LAMB2):c.115G>A (p.Val39Met)

Gene: LAMB2 (laminin subunit beta 2; minus strand). Cytogenetic location: 3p21.31.
Variant type: single nucleotide variant.
Coding change: c.115G>A on transcript NM_002292.4 (MANE Select); coding-DNA position 115, G replaced by A.
Protein change: p.Val39Met; replaces valine 39 with methionine.
Molecular consequence: missense variant.
Genome position (GRCh38, 1-based): chr3:49,132,625, C>T on the plus strand (G>A on the coding strand, the complement: LAMB2 is on the minus strand). VCF-style: chr3-49132625-C-T. GRCh37 (hg19) VCF-style: chr3-49170058-C-T.
Other names: c.115G>A (NM_002292.3); short protein forms V39M.
Identifiers: ClinVar variation 1450963 (VCV001450963.9), dbSNP rs541668395, ClinGen allele CA2395040.

ClinVar aggregate classification (germline): Uncertain significance. Review status: criteria provided, multiple submitters, no conflicts (2 of 4 stars). 2 submissions from 2 submitters: Uncertain significance (2). Last evaluated 2023-03-22.

Conditions:
Pierson syndrome. Also called: MICROCORIA-CONGENITAL NEPHROTIC SYNDROME. Identifiers: Orphanet 2670, MedGen C1836876, MONDO:0012184, OMIM 609049.
LAMB2-related infantile-onset nephrotic syndrome. Also called: Nephrotic Syndrome, type 5; NEPHROTIC SYNDROME, TYPE 5, WITHOUT OCULAR ABNORMALITIES; NEPHROTIC SYNDROME, TYPE 5, WITH OCULAR ABNORMALITIES. Identifiers: Orphanet 306507, MedGen C3280113, MONDO:0013621, OMIM 614199.
Inborn genetic diseases. Identifiers: MedGen C0950123, MeSH D030342.

Allele frequency attached by ClinVar (database versions not stated): gnomAD 0.00003; gnomAD exomes 0.00004; TOPMed 0.00004; ExAC 0.00005; 1000 Genomes Project 30x 0.00031.
gnomAD v4.1: 13 of 1,613,962 alleles (0.00081%); highest among the groups gnomAD compares: East Asian, 0.029%; no homozygotes.

Submissions (2):

Ambry Genetics
Classification: Uncertain significance for Inborn genetic diseases. Last evaluated: 2023-03-22. Review status: criteria provided, single submitter. Criteria: Ambry Variant Classification Scheme 2023. Collection method: clinical testing. Allele origin: germline.

Labcorp Genetics (formerly Invitae), Labcorp
Classification: Uncertain significance for LAMB2-related infantile-onset nephrotic syndrome; Pierson syndrome. Last evaluated: 2021-01-20. Review status: criteria provided, single submitter. Criteria: Invitae Variant Classification Sherloc (09022015). Collection method: clinical testing. Allele origin: germline.
Comment: Algorithms developed to predict the effect of missense changes on protein structure and function output the following: SIFT: "Tolerated"; PolyPhen-2: "Benign"; Align-GVGD: "Class C0". The methionine amino acid residue is found in multiple mammalian species, suggesting that this missense change does not adversely affect protein function. These predictions have not been confirmed by published functional studies and their clinical significance is uncertain. This variant has not been reported in the literature in individuals with LAMB2-related conditions. This variant is present in population databases (rs541668395, ExAC 0.07%). This sequence change replaces valine with methionine at codon 39 of the LAMB2 protein (p.Val39Met). The valine residue is weakly conserved and there is a small physicochemical difference between valine and methionine. In summary, the available evidence is currently insufficient to determine the role of this variant in disease. Therefore, it has been classified as a Variant of Uncertain Significance.